The following is an entry in ClinVar:

NM_007055.4(POLR3A):c.1771-6C>T

Gene: POLR3A (RNA polymerase III subunit A; minus strand). Cytogenetic location: 10q22.3.
Variant type: single nucleotide variant.
Coding change: c.1771-6C>T on transcript NM_007055.4 (MANE Select); 6 bases into the intron before coding-DNA position 1771, C replaced by T.
Molecular consequence: intron variant.
Genome position (GRCh38, 1-based): chr10:78,009,681, G>A on the plus strand (C>T on the coding strand, the complement: POLR3A is on the minus strand). VCF-style: chr10-78009681-G-A. GRCh37 (hg19) VCF-style: chr10-79769439-G-A.
Identifiers: ClinVar variation 789611 (VCV000789611.39), dbSNP rs115020338, ClinGen allele CA5571319.
Genomic context (GRCh38, chr10:78,009,681, plus strand): 5'-CGCTAGGCCTGAGGATGACACTGAAGATCTGCTTTCCCGTCCACAGGGTGACAGGCTGAG[G>A]GGGGGAGGAAGCCTGAGAGTCAGTGGGCTGAGCCTGGTCTCAATCCCCCTTCAGTAGACG-3'

ClinVar aggregate classification (germline): Benign/Likely benign. Review status: criteria provided, multiple submitters, no conflicts (2 of 4 stars). 5 submissions from 5 submitters: Benign (2); Likely benign (3). Last evaluated 2026-01-18.

Conditions:
Leukodystrophy, hypomyelinating, 7, with or without oligodontia and/or hypogonadotropic hypogonadism (HLD7). Also called: Ataxia, Delayed Dentition and Hypomyelination (ADDH); LEUKOENCEPHALOPATHY, HYPOMYELINATING, WITH ATAXIA AND DELAYED DENTITION; ATAXIA, DELAYED DENTITION, AND HYPOMYELINATION; LEUKODYSTROPHY, HYPOMYELINATING, 7, WITH OLIGODONTIA; LEUKODYSTROPHY, HYPOMYELINATING, 7, WITH OLIGODONTIA AND HYPOGONADOTROPIC HYPOGONADISM; LEUKODYSTROPHY, HYPOMYELINATING, 7, WITHOUT OLIGODONTIA OR HYPOGONADOTROPIC HYPOGONADISM. Identifiers: Orphanet 137639, Orphanet 447893, Orphanet 447896, Orphanet 77295, Orphanet 88637, MedGen CN034185, MONDO:0011897, OMIM 607694.

Allele frequency attached by ClinVar (database versions not stated): TOPMed 0.00400; ESP Exome Variant Server 0.00431; 1000 Genomes Project 0.00519; 1000 Genomes Project 30x 0.00562.
gnomAD v4.1: 1,248 of 1,613,900 alleles (0.077%); highest among the groups gnomAD compares: African/African-American, 1.4%; 4 homozygotes.

Submissions (5):

Labcorp Genetics (formerly Invitae), Labcorp
Classification: Benign. Last evaluated: 2026-01-18. Review status: criteria provided, single submitter. Criteria: Invitae Variant Classification Sherloc (09022015). Collection method: clinical testing. Allele origin: germline.

Blueprint Genetics
Classification: Likely benign. Last evaluated: 2024-10-02. Review status: criteria provided, single submitter. Criteria: ACMG Guidelines, 2015. Collection method: clinical testing. Allele origin: germline.

CeGaT Center for Human Genetics Tuebingen
Classification: Likely benign. Last evaluated: 2023-05-01. Review status: criteria provided, single submitter. Criteria: CeGaT Center For Human Genetics Tuebingen Variant Classification Criteria Version 2. Collection method: clinical testing. Allele origin: germline. Affected: yes. Observed: 1 variant allele.
Comment: POLR3A: BP4, BS1

GeneDx
Classification: Likely benign. Last evaluated: 2022-01-19. Review status: criteria provided, single submitter. Criteria: GeneDx Variant Classification Process June 2021. Collection method: clinical testing. Allele origin: germline. Affected: yes.
Comment: See Variant Classification Assertion Criteria.

Illumina Laboratory Services, Illumina
Classification: Benign for Leukodystrophy, hypomyelinating, 7, with or without oligodontia and/or hypogonadotropic hypogonadism. Last evaluated: 2017-04-28. Review status: criteria provided, single submitter. Criteria: ICSL Variant Classification Criteria 13 December 2019. Collection method: clinical testing. Allele origin: germline.
Comment: This variant was observed as part of a predisposition screen in an ostensibly healthy population. A literature search was performed for the gene, cDNA change, and amino acid change (where applicable). No publications were found based on this search. Allele frequency data from public databases was too high to be consistent with this variant causing disease. Therefore, this variant is classified as benign.